The following is an entry in ClinVar:

ClinVar aggregate classification (germline): Uncertain significance (1 of 4 stars; one submission).

Conditions:
Inborn genetic diseases. Identifiers: MedGen C0950123, MeSH D030342.

Submission:

Ambry Genetics
Classification: Uncertain significance for Inborn genetic diseases. Last evaluated: 2024-07-09. Review status: criteria provided, single submitter. Criteria: Ambry Variant Classification Scheme 2023. Collection method: clinical testing. Allele origin: germline.
Comment: The p.V572F variant (also known as c.1714G>T), located in coding exon 10 of the PIK3CA gene, results from a G to T substitution at nucleotide position 1714. The valine at codon 572 is replaced by phenylalanine, an amino acid with highly similar properties. This amino acid position is conserved. In addition, this alteration is predicted to be deleterious by in silico analysis. Based on the available evidence, the clinical significance of this variant remains unclear.

NM_006218.4(PIK3CA):c.1714G>T (p.Val572Phe)

Gene: PIK3CA (phosphatidylinositol-4,5-bisphosphate 3-kinase catalytic subunit alpha; plus strand). Cytogenetic location: 3q26.32.
Variant type: single nucleotide variant.
Coding change: c.1714G>T on transcript NM_006218.4 (MANE Select); coding-DNA position 1714, G replaced by T.
Protein change: p.Val572Phe; replaces valine 572 with phenylalanine.
Molecular consequence: missense variant.
Genome position (GRCh38, 1-based): chr3:179,219,245, G>T. VCF-style: chr3-179219245-G-T. GRCh37 (hg19) VCF-style: chr3-178937033-G-T.
Other names: short protein forms V572F.
Identifiers: ClinVar variation 3418510 (VCV003418510.1).